The following is an entry in ClinVar:

ClinVar aggregate classification (germline): Uncertain significance (1 of 4 stars; one submission).

Conditions:
Gastrointestinal stromal tumor. Also called: Gastrointestinal stromal tumor, somatic; Gastrointestinal stroma tumor. Identifiers: Orphanet 44890, MedGen C0238198, MeSH D046152, MONDO:0011719, OMIM 606764, HP:0100723.

Submission:

Labcorp Genetics (formerly Invitae), Labcorp
Classification: Uncertain significance for Gastrointestinal stromal tumor. Last evaluated: 2022-11-04. Review status: criteria provided, single submitter. Criteria: Invitae Variant Classification Sherloc (09022015). Collection method: clinical testing. Allele origin: germline.
Comment: This sequence change affects a donor splice site in intron 6 of the PDGFRA gene. It is expected to disrupt RNA splicing. Variants that disrupt the donor or acceptor splice site typically lead to a loss of protein function (PMID: 16199547), however the current clinical and genetic evidence is not sufficient to establish whether loss-of-function variants in PDGFRA cause disease. This variant is not present in population databases (gnomAD no frequency). This variant has not been reported in the literature in individuals affected with PDGFRA-related conditions. Algorithms developed to predict the effect of sequence changes on RNA splicing suggest that this variant may disrupt the consensus splice site. In summary, the available evidence is currently insufficient to determine the role of this variant in disease. Therefore, it has been classified as a Variant of Uncertain Significance.

Literature cited by the submitters: PubMed 16199547.

NM_006206.6(PDGFRA):c.931+2T>A

Gene: PDGFRA (platelet derived growth factor receptor alpha; plus strand). Cytogenetic location: 4q12.
Variant type: single nucleotide variant.
Coding change: c.931+2T>A on transcript NM_006206.6 (MANE Select); the canonical splice donor site of the intron after coding-DNA position 931, T replaced by A.
Molecular consequence: splice donor variant.
Genome position (GRCh38, 1-based): chr4:54,267,462, T>A. VCF-style: chr4-54267462-T-A. GRCh37 (hg19) VCF-style: chr4-55133629-T-A.
Other names: c.1006+2T>A (NM_001347828.2); c.931+2T>A (NM_001347827.2, NM_001347829.2); c.970+2T>A (NM_001347830.2).
Identifiers: ClinVar variation 2811685 (VCV002811685.3), dbSNP rs2475454356, ClinGen allele CA356891420.